The following is an entry in ClinVar:

NM_001165963.4(SCN1A):c.5425T>C (p.Tyr1809His)

Genes: SCN1A (sodium voltage-gated channel alpha subunit 1; minus strand), LOC102724058 (uncharacterized LOC102724058; plus strand). Cytogenetic location: 2q24.3.
Variant type: single nucleotide variant.
Coding change: c.5425T>C on transcript NM_001165963.4 (MANE Select); coding-DNA position 5425, T replaced by C.
Protein change: p.Tyr1809His; replaces tyrosine 1809 with histidine.
Molecular consequence: missense variant. On other transcripts: non-coding transcript variant (1).
Genome position (GRCh38, 1-based): chr2:165,991,850, A>G on the plus strand (T>C on the coding strand, the complement: SCN1A is on the minus strand). VCF-style: chr2-165991850-A-G. GRCh37 (hg19) VCF-style: chr2-166848360-A-G.
Other names: c.5341T>C, p.Tyr1781His (NM_001165964.3, NM_001353957.2, NM_001353958.2); c.5425T>C, p.Tyr1809His (NM_001202435.3, NM_001353948.2); c.5392T>C, p.Tyr1798His (NM_001353949.2, NM_001353950.2, NM_001353951.2 and 2 more transcripts); c.5389T>C, p.Tyr1797His (NM_001353954.2, NM_001353955.2); c.5338T>C, p.Tyr1780His (NM_001353960.2); c.2983T>C, p.Tyr995His (NM_001353961.2); short protein forms Y1780H, Y1781H, Y1797H, Y1798H, Y1809H, Y995H.
Identifiers: ClinVar variation 998292 (VCV000998292.1), dbSNP rs1689219278, ClinGen allele CA349067647.
Genomic context (GRCh38, chr2:165,991,850, plus strand): 5'-ATAATTTTTCAAATTCCATGAACTGAGTTGCATCGGGATCAAACTTCTCCCAAACCTCAT[A>G]GAACATCTCAAAGTCATCCTCACTCAGAGGCTCTGCACTTTCTTCAGTAGCAACACTGAA-3'
Protein context (NP_001159435.1, residues 1799-1819): PLSEDDFEMF[Tyr1809His]EVWEKFDPDA

ClinVar aggregate classification (germline): Uncertain significance (1 of 4 stars; one submission).

Conditions:
Generalized epilepsy with febrile seizures plus, type 2 (GEFSP2). Also called: GEFS+, TYPE 2. Identifiers: Orphanet 36387, MedGen C1858673, MONDO:0011461, OMIM 604403.

Submission:

Baylor Genetics
Classification: Uncertain significance for Generalized epilepsy with febrile seizures plus, type 2. Last evaluated: 2020-04-10. Review status: criteria provided, single submitter. Criteria: ACMG Guidelines, 2015. Collection method: clinical testing. Allele origin: maternal. Affected: yes. Study: CSER-TexasKidsCanSeq.
Comment: This variant was determined to be of uncertain significance according to ACMG Guidelines, 2015 [PMID:25741868].